The following is an entry in ClinVar:

ClinVar aggregate classification (germline): Pathogenic/Likely pathogenic. Review status: criteria provided, multiple submitters, no conflicts (2 of 4 stars). 2 submissions from 2 submitters: Pathogenic (1); Likely pathogenic (1). Last evaluated 2024-09-03.

Conditions:
Neurofibromatosis, type 1 (NF1). Also called: NEUROFIBROMATOSIS, TYPE I, SOMATIC; VON RECKLINGHAUSEN DISEASE; Peripheral type neurofibromatosis; Neurofibromatosis, type I. Identifiers: Orphanet 636, MedGen C0027831, MONDO:0018975, OMIM 162200. Disease mechanism: loss of function.

Submissions (2):

Labcorp Genetics (formerly Invitae), Labcorp
Classification: Pathogenic for Neurofibromatosis, type 1. Last evaluated: 2024-09-03. Review status: criteria provided, single submitter. Criteria: Invitae Variant Classification Sherloc (09022015). Collection method: clinical testing. Allele origin: germline.
Comment: This sequence change creates a premature translational stop signal (p.Cys1288*) in the NF1 gene. It is expected to result in an absent or disrupted protein product. Loss-of-function variants in NF1 are known to be pathogenic (PMID: 10712197, 23913538). This variant is not present in population databases (gnomAD no frequency). This variant has not been reported in the literature in individuals affected with NF1-related conditions. ClinVar contains an entry for this variant (Variation ID: 547638). For these reasons, this variant has been classified as Pathogenic.

Center for Human Genetics, Inc
Classification: Likely pathogenic for Neurofibromatosis, type 1. Last evaluated: 2016-11-01. Review status: criteria provided, single submitter. Criteria: ACMG Guidelines, 2015. Collection method: clinical testing. Allele origin: germline. Affected: yes.

Literature cited by the submitters: PubMed 10712197 (cited by Labcorp Genetics (formerly Invitae), Labcorp); PubMed 23913538 (cited by Labcorp Genetics (formerly Invitae), Labcorp).

NM_001042492.3(NF1):c.3864T>A (p.Cys1288Ter)

Gene: NF1 (neurofibromin 1; plus strand). Cytogenetic location: 17q11.2.
Variant type: single nucleotide variant.
Coding change: c.3864T>A on transcript NM_001042492.3 (MANE Select); coding-DNA position 3864, T replaced by A.
Protein change: p.Cys1288Ter; replaces cysteine 1288 with a stop codon.
Molecular consequence: nonsense.
Genome position (GRCh38, 1-based): chr17:31,235,766, T>A. VCF-style: chr17-31235766-T-A. GRCh37 (hg19) VCF-style: chr17-29562784-T-A.
Other names: c.3864T>A, p.Cys1288Ter (NM_000267.4); short protein forms C1288*.
Identifiers: ClinVar variation 547638 (VCV000547638.3), dbSNP rs1555615495, ClinGen allele CA398992909.